The following is an entry in ClinVar:

NM_024009.3(GJB3):c.301C>T (p.Arg101Trp)

Gene: GJB3 (gap junction protein beta 3; plus strand). Cytogenetic location: 1p34.3.
Variant type: single nucleotide variant.
Coding change: c.301C>T on transcript NM_024009.3 (MANE Select); coding-DNA position 301, C replaced by T.
Protein change: p.Arg101Trp; replaces arginine 101 with tryptophan.
Molecular consequence: missense variant.
Genome position (GRCh38, 1-based): chr1:34,785,063, C>T. VCF-style: chr1-34785063-C-T. GRCh37 (hg19) VCF-style: chr1-35250664-C-T.
Other names: c.301C>T, p.Arg101Trp (NM_001005752.2); short protein forms R101W.
Identifiers: ClinVar variation 3364124 (VCV003364124.1).

ClinVar aggregate classification (germline): Uncertain significance (1 of 4 stars; one submission).

gnomAD v4.1: 11 of 1,614,088 alleles (0.00068%); highest among the groups gnomAD compares: Admixed American, 0.0067%; no homozygotes.

Submission:

GeneDx
Classification: Uncertain significance. Last evaluated: 2023-11-10. Review status: criteria provided, single submitter. Criteria: GeneDx Variant Classification Process June 2021. Collection method: clinical testing. Allele origin: germline. Affected: yes.
Comment: In silico analysis supports that this missense variant has a deleterious effect on protein structure/function; Has not been previously published as pathogenic or benign to our knowledge